The following is an entry in ClinVar:

NM_012208.4(HARS2):c.954+6C>A

Gene: HARS2 (histidyl-tRNA synthetase 2, mitochondrial; plus strand). Cytogenetic location: 5q31.3.
Variant type: single nucleotide variant.
Coding change: c.954+6C>A on transcript NM_012208.4 (MANE Select); 6 bases into the intron after coding-DNA position 954, C replaced by A.
Molecular consequence: intron variant.
Genome position (GRCh38, 1-based): chr5:140,697,076, C>A. VCF-style: chr5-140697076-C-A. GRCh37 (hg19) VCF-style: chr5-140076661-C-A.
Other names: c.522+6C>A (NM_001278732.2); c.972+6C>A (NM_001363535.2); c.879+6C>A (NM_001278731.2); c.744+6C>A (NM_001363536.2).
Identifiers: ClinVar variation 2084491 (VCV002084491.3), dbSNP rs186544207, ClinGen allele CA3444575.

ClinVar aggregate classification (germline): Uncertain significance (1 of 4 stars; one submission).

Allele frequency attached by ClinVar (database versions not stated): gnomAD 0.00002; ExAC 0.00003; TOPMed 0.00006; 1000 Genomes Project 30x 0.00016; 1000 Genomes Project 0.00020.
gnomAD v4.1: 13 of 1,614,100 alleles (0.00081%); highest among the groups gnomAD compares: Admixed American, 0.022%; no homozygotes.

Submission:

Labcorp Genetics (formerly Invitae), Labcorp
Classification: Uncertain significance. Last evaluated: 2024-05-06. Review status: criteria provided, single submitter. Criteria: Invitae Variant Classification Sherloc (09022015). Collection method: clinical testing. Allele origin: germline.
Comment: This sequence change falls in intron 9 of the HARS2 gene. It does not directly change the encoded amino acid sequence of the HARS2 protein. It affects a nucleotide within the consensus splice site. This variant is present in population databases (rs186544207, gnomAD 0.03%). This variant has not been reported in the literature in individuals affected with HARS2-related conditions. ClinVar contains an entry for this variant (Variation ID: 2084491). Variants that disrupt the consensus splice site are a relatively common cause of aberrant splicing (PMID: 17576681, 9536098). Algorithms developed to predict the effect of sequence changes on RNA splicing suggest that this variant is not likely to affect RNA splicing. In summary, the available evidence is currently insufficient to determine the role of this variant in disease. Therefore, it has been classified as a Variant of Uncertain Significance.

Literature cited by the submitters: PubMed 17576681; PubMed 9536098.